The following is an entry in ClinVar:

ClinVar aggregate classification (germline): Pathogenic (1 of 4 stars; one submission).

Submission:

GeneDx
Classification: Pathogenic. Last evaluated: 2024-05-07. Review status: criteria provided, single submitter. Criteria: GeneDx Variant Classification Process June 2021. Collection method: clinical testing. Allele origin: germline.
Comment: Frameshift variant predicted to result in protein truncation or nonsense mediated decay in a gene for which loss of function is a known mechanism of disease; Not observed at significant frequency in large population cohorts (gnomAD); Has not been previously published as pathogenic or benign to our knowledge

NM_000044.6(AR):c.70del (p.Gln24fs)

Gene: AR (androgen receptor; plus strand). Cytogenetic location: Xq12.
Variant type: Deletion.
Coding change: c.70del on transcript NM_000044.6 (MANE Select); coding-DNA position 70, one base deleted (C; older notation c.70delC).
Protein change: p.Gln24fs; shifts the reading frame from glutamine 24.
Molecular consequence: frameshift variant. On other transcripts: 5 prime UTR variant (1).
Genome position (GRCh38, 1-based): chrX:67,545,216, C deleted; the last of 2 consecutive C bases (chrX:67,545,215-67,545,216); deleting either gives the same sequence. VCF-style (leftmost placement, unchanged base first): chrX-67545214-TC-T. GRCh37 (hg19) VCF-style: chrX-66765056-TC-T.
Other names: c.-1714del (NM_001011645.3); c.70del, p.Gln24fs (NM_001348061.1, NM_001348063.1, NM_001348064.1); c.70delC, p.Gln24Argfs (NM_001424175.1); short protein forms Q24fs.
Identifiers: ClinVar variation 2662489 (VCV002662489.2), dbSNP rs2519599390, ClinGen allele CA2695200220.
Genomic context (GRCh38, chrX:67,545,214, plus strand): 5'-TGCAGTTAGGGCTGGGAAGGGTCTACCCTCGGCCGCCGTCCAAGACCTACCGAGGAGCTT[TC>T]CAGAATCTGTTCCAGAGCGTGCGCGAAGTGATCCAGAACCCGGGCCCCAGGCACCCAGAG-3'